The following is an entry in ClinVar:

NM_021008.4(DEAF1):c.1281G>A (p.Ala427=)

Genes: DEAF1 (DEAF1 transcription factor; minus strand), LOC126861109 (BRD4-independent group 4 enhancer GRCh37_chr11:673917-675116; plus strand). Cytogenetic location: 11p15.5.
Variant type: single nucleotide variant.
Coding change: c.1281G>A on transcript NM_021008.4 (MANE Select); coding-DNA position 1281, G replaced by A.
Protein change: p.Ala427=; no amino-acid change (alanine 427 retained).
Molecular consequence: synonymous variant.
Genome position (GRCh38, 1-based): chr11:674,758, C>T on the plus strand (G>A on the coding strand, the complement: DEAF1 is on the minus strand). VCF-style: chr11-674758-C-T. GRCh37 (hg19) VCF-style: chr11-674758-C-T.
Other names: c.1014G>A, p.Ala338= (NM_001293634.2); c.555G>A, p.Ala185= (NM_001367390.1).
Identifiers: ClinVar variation 1407564 (VCV001407564.9), dbSNP rs200163005, ClinGen allele CA5786253.

ClinVar aggregate classification (germline): Conflicting classifications of pathogenicity. Review status: criteria provided, conflicting classifications (1 of 4 stars). 3 submissions from 3 submitters: Uncertain significance (1); Likely benign (1). 1 of the submissions does not count toward it. Last evaluated 2025-04-11.

Conditions:
DEAF1-related disorder.

Allele frequency attached by ClinVar (database versions not stated): ExAC 0.00002; gnomAD exomes 0.00002 and 0.00003; gnomAD 0.00003; TOPMed 0.00003.
gnomAD v4.1: 40 of 1,612,776 alleles (0.0025%); highest among the groups gnomAD compares: Non-Finnish European, 0.0031%; no homozygotes.

Submissions (3):

Labcorp Genetics (formerly Invitae), Labcorp
Classification: Likely benign. Last evaluated: 2025-04-11. Review status: criteria provided, single submitter. Criteria: Invitae Variant Classification Sherloc (09022015). Collection method: clinical testing. Allele origin: germline.

Breakthrough Genomics
Classification: Uncertain significance. Review status: criteria provided, single submitter. Criteria: ACMG Guidelines, 2015. Collection method: not provided. Allele origin: germline. Inheritance: Autosomal recessive inheritance. Affected: yes.

PreventionGenetics, part of Exact Sciences
Classification: Likely benign for DEAF1-related condition. Last evaluated: 2023-09-12. Review status: no assertion criteria provided. Collection method: clinical testing. Allele origin: germline. Not counted in ClinVar's aggregate classification.
Comment: This variant is classified as likely benign based on ACMG/AMP sequence variant interpretation guidelines (Richards et al. 2015 PMID: 25741868, with internal and published modifications).